The following is an entry in ClinVar:

NM_000074.3(CD40LG):c.515A>G (p.Tyr172Cys)

Gene: CD40LG (CD40 ligand; plus strand). Cytogenetic location: Xq26.3.
Variant type: single nucleotide variant.
Coding change: c.515A>G on transcript NM_000074.3 (MANE Select); coding-DNA position 515, A replaced by G.
Protein change: p.Tyr172Cys; replaces tyrosine 172 with cysteine.
Molecular consequence: missense variant.
Genome position (GRCh38, 1-based): chrX:136,659,144, A>G. VCF-style: chrX-136659144-A-G. GRCh37 (hg19) VCF-style: chrX-135741303-A-G.
Other names: short protein forms Y172C.
Identifiers: ClinVar variation 2138731 (VCV002138731.4), dbSNP rs2522117947, ClinGen allele CA414755784.

ClinVar aggregate classification (germline): Likely pathogenic (1 of 4 stars; one submission).

Conditions:
Hyper-IgM syndrome type 1. Also called: Hyper-IgM Immunodeficiency Syndrome, Type 1; CD40 Ligand Deficiency; X-linked hyper-IgM syndrome; Immunodeficiency, X-linked, with hyper-IgM. Identifiers: Orphanet 101088, MedGen C0398689, MONDO:0010626, OMIM 308230.

Submission:

Labcorp Genetics (formerly Invitae), Labcorp
Classification: Likely pathogenic for Hyper-IgM syndrome type 1. Last evaluated: 2022-08-17. Review status: criteria provided, single submitter. Criteria: Invitae Variant Classification Sherloc (09022015). Collection method: clinical testing. Allele origin: germline.
Comment: This sequence change replaces tyrosine, which is neutral and polar, with cysteine, which is neutral and slightly polar, at codon 172 of the CD40LG protein (p.Tyr172Cys). This variant is not present in population databases (gnomAD no frequency). This missense change has been observed in individuals with hyper-IgM syndrome (HIGM) (PMID: 22928961; Invitae). Advanced modeling of protein sequence and biophysical properties (such as structural, functional, and spatial information, amino acid conservation, physicochemical variation, residue mobility, and thermodynamic stability) performed at Invitae indicates that this missense variant is expected to disrupt CD40LG protein function. This variant disrupts the p.Tyr172 amino acid residue in CD40LG. Other variant(s) that disrupt this residue have been observed in individuals with CD40LG-related conditions (PMID: 33060515), which suggests that this may be a clinically significant amino acid residue. In summary, the currently available evidence indicates that the variant is pathogenic, but additional data are needed to prove that conclusively. Therefore, this variant has been classified as Likely Pathogenic.

Literature cited by the submitters: PubMed 22928961; PubMed 33060515.